The following is an entry in ClinVar:

NM_138927.4(SON):c.5572C>T (p.Arg1858Cys)

Gene: SON (SON DNA and RNA binding protein; plus strand). Cytogenetic location: 21q22.11.
Variant type: single nucleotide variant.
Coding change: c.5572C>T on transcript NM_138927.4 (MANE Select); coding-DNA position 5572, C replaced by T.
Protein change: p.Arg1858Cys; replaces arginine 1858 with cysteine.
Molecular consequence: missense variant. On other transcripts: non-coding transcript variant (1), intron variant (1).
Genome position (GRCh38, 1-based): chr21:33,554,803, C>T. VCF-style: chr21-33554803-C-T. GRCh37 (hg19) VCF-style: chr21-34927109-C-T.
Other names: c.5572C>T, p.Arg1858Cys (NM_001291411.2, NM_032195.3); c.245-2353C>T (NM_001291412.3); c.5572C>T (NM_138927.2); short protein forms R1858C.
Identifiers: ClinVar variation 2664893 (VCV002664893.4), dbSNP rs267606111, ClinGen allele CA320154621.

ClinVar aggregate classification (germline): Uncertain significance. Review status: criteria provided, multiple submitters, no conflicts (2 of 4 stars). 3 submissions from 3 submitters: Uncertain significance (2). 1 of the submissions does not count toward it. Last evaluated 2023-02-14.

Conditions:
ZTTK syndrome (ZTTKS). Also called: ZTTK MULTIPLE CONGENITAL ANOMALIES-MENTAL RETARDATION SYNDROME; Zhu-Tokita-Takenouchi-Kim Syndrome. Identifiers: Orphanet 500150, MedGen C4310696, MONDO:0014936, OMIM 617140.
SON-related disorder. Also called: SON-related condition.

Allele frequency attached by ClinVar (database versions not stated): gnomAD exomes 0.00001.
gnomAD v4.1: 10 of 1,613,872 alleles (0.00062%); highest among the groups gnomAD compares: East Asian, 0.0045%; no homozygotes.

Submissions (3):

Neuberg Centre For Genomic Medicine, NCGM
Classification: Uncertain significance for ZTTK syndrome. Last evaluated: 2023-02-14. Review status: criteria provided, single submitter. Criteria: ACMG Guidelines, 2015. Collection method: clinical testing. Allele origin: germline. Inheritance: Autosomal dominant inheritance. Affected: yes.
Comment: The missense c.5572C>T(p.Arg1858Cys) variant in SON gene has not been reported previously as a pathogenic variant nor as a benign variant, to our knowledge. The p.Arg1858Cys variant has been reported with allele frequency of 0.0004% in gnomAD Exomes and is novel (not in any individuals) in 1000 Genomes. This variant has not been reported to the ClinVar database. The amino acid change p.Arg1858Cys in SON is predicted as conserved by GERP++ and PhyloP across 100 vertebrates. The amino acid Arg at position 1858 is changed to Cys, changing protein sequence and it might alter its composition and physico-chemical properties. For these reasons, this variant has been classified as a Variant of Uncertain Significance (VUS).

Blueprint Genetics
Classification: Uncertain significance. Last evaluated: 2019-11-23. Review status: criteria provided, single submitter. Criteria: ACMG Guidelines, 2015. Collection method: clinical testing. Allele origin: germline.

PreventionGenetics, part of Exact Sciences
Classification: Uncertain significance for SON-related condition. Last evaluated: 2024-01-09. Review status: no assertion criteria provided. Collection method: clinical testing. Allele origin: germline. Not counted in ClinVar's aggregate classification.
Comment: The SON c.5572C>T variant is predicted to result in the amino acid substitution p.Arg1858Cys. To our knowledge, this variant has not been reported in the literature. This variant is reported in 0.0029% of alleles in individuals of Latino descent in gnomAD. At this time, the clinical significance of this variant is uncertain due to the absence of conclusive functional and genetic evidence.